The following is an entry in ClinVar:

NM_015021.3(ZNF292):c.3162T>C (p.Val1054=)

Gene: ZNF292 (zinc finger protein 292; plus strand). Cytogenetic location: 6q14.3.
Variant type: single nucleotide variant.
Coding change: c.3162T>C on transcript NM_015021.3 (MANE Select); coding-DNA position 3162, T replaced by C.
Protein change: p.Val1054=; no amino-acid change (valine 1054 retained).
Molecular consequence: synonymous variant.
Genome position (GRCh38, 1-based): chr6:87,256,791, T>C. VCF-style: chr6-87256791-T-C. GRCh37 (hg19) VCF-style: chr6-87966509-T-C.
Other names: c.2742T>C, p.Val914= (NM_001351444.2).
Identifiers: ClinVar variation 2656742 (VCV002656742.25), dbSNP rs148842527, ClinGen allele CA3914070.

ClinVar aggregate classification (germline): Likely benign. Review status: criteria provided, multiple submitters, no conflicts (2 of 4 stars). 2 submissions from 2 submitters: Likely benign (2). Last evaluated 2026-09-01.

Allele frequency attached by ClinVar (database versions not stated): gnomAD exomes 0.00020; ExAC 0.00063; 1000 Genomes Project 0.00120; 1000 Genomes Project 30x 0.00125; gnomAD 0.00206; TOPMed 0.00224; ESP Exome Variant Server 0.00228.
gnomAD v4.1: 609 of 1,613,202 alleles (0.038%); highest among the groups gnomAD compares: African/African-American, 0.73%; 1 homozygote.

Submissions (2):

CeGaT Center for Human Genetics Tuebingen
Classification: Likely benign. Last evaluated: 2026-09-01. Review status: criteria provided, single submitter. Criteria: CeGaT Center For Human Genetics Tuebingen Variant Classification Criteria Version 2. Collection method: clinical testing. Allele origin: germline. Affected: yes. Observed: 4 variant alleles.
Comment: ZNF292: BP4, BP7, BS1

Blueprint Genetics
Classification: Likely benign. Last evaluated: 2024-05-02. Review status: criteria provided, single submitter. Criteria: ACMG Guidelines, 2015. Collection method: clinical testing. Allele origin: germline.